The following is an entry in ClinVar:

ClinVar aggregate classification (germline): Likely benign. Review status: criteria provided, single submitter (1 of 4 stars). 2 submissions from 2 submitters: Likely benign (1). 1 of the submissions does not count toward it. Last evaluated 2026-09-01.

Conditions:
MAPK8IP3-related disorder. Also called: MAPK8IP3-related condition.

Allele frequency attached by ClinVar (database versions not stated): 1000 Genomes Project 0.00200; 1000 Genomes Project 30x 0.00219; TOPMed 0.00230; gnomAD 0.00242; gnomAD exomes 0.00024; ExAC 0.00070; ESP Exome Variant Server 0.00191.
gnomAD v4.1: 738 of 1,612,820 alleles (0.046%); highest among the groups gnomAD compares: African/African-American, 0.82%; 8 homozygotes.

Submissions (2):

CeGaT Center for Human Genetics Tuebingen
Classification: Likely benign. Last evaluated: 2026-09-01. Review status: criteria provided, single submitter. Criteria: CeGaT Center For Human Genetics Tuebingen Variant Classification Criteria Version 2. Collection method: clinical testing. Allele origin: germline. Affected: yes. Observed: 5 variant alleles.
Comment: MAPK8IP3: BP4, BP7, BS1

PreventionGenetics, part of Exact Sciences
Classification: Benign for MAPK8IP3-related condition. Last evaluated: 2019-11-11. Review status: no assertion criteria provided. Collection method: clinical testing. Allele origin: germline. Not counted in ClinVar's aggregate classification.
Comment: This variant is classified as benign based on ACMG/AMP sequence variant interpretation guidelines (Richards et al. 2015 PMID: 25741868, with internal and published modifications).

NM_001318852.2(MAPK8IP3):c.2514G>A (p.Pro838=)

Gene: MAPK8IP3 (mitogen-activated protein kinase 8 interacting protein 3; plus strand). Cytogenetic location: 16p13.3.
Variant type: single nucleotide variant.
Coding change: c.2514G>A on transcript NM_001318852.2 (MANE Select); coding-DNA position 2514, G replaced by A.
Protein change: p.Pro838=; no amino-acid change (proline 838 retained).
Molecular consequence: synonymous variant.
Genome position (GRCh38, 1-based): chr16:1,766,027, G>A. VCF-style: chr16-1766027-G-A. GRCh37 (hg19) VCF-style: chr16-1816028-G-A.
Other names: c.2493G>A, p.Pro831= (NM_001040439.2); c.2511G>A, p.Pro837= (NM_015133.5, NM_033392.3).
Identifiers: ClinVar variation 3053688 (VCV003053688.17), dbSNP rs184317970, ClinGen allele CA7817317.